The following is an entry in ClinVar:

NM_032119.4(ADGRV1):c.9763G>A (p.Val3255Met)

Gene: ADGRV1 (adhesion G protein-coupled receptor V1; plus strand). Cytogenetic location: 5q14.3.
Variant type: single nucleotide variant.
Coding change: c.9763G>A on transcript NM_032119.4 (MANE Select); coding-DNA position 9763, G replaced by A.
Protein change: p.Val3255Met; replaces valine 3255 with methionine.
Molecular consequence: missense variant. On other transcripts: non-coding transcript variant (1).
Genome position (GRCh38, 1-based): chr5:90,724,846, G>A. VCF-style: chr5-90724846-G-A. GRCh37 (hg19) VCF-style: chr5-90020663-G-A.
Other names: short protein forms V3255M.
Identifiers: ClinVar variation 904068 (VCV000904068.13), dbSNP rs776345555, ClinGen allele CA3340594.
Genomic context (GRCh38, chr5:90,724,846, plus strand): 5'-TTTTGAAGGAGTAATAAACTAGTAAACCATGATTTGTGTTTTTCAGGGGGAATGGATGTT[G>A]TGTTTTCCGTATTTCAAAGTTTTTTGGATGAATCAGCTTCTGGCTGGTGTTTCTTTACTT-3'
Protein context (NP_115495.3, residues 3245-3265): TAFGMRGMDV[Val3255Met]FSVFQSFLDE

ClinVar aggregate classification (germline): Conflicting classifications of pathogenicity. Review status: criteria provided, conflicting classifications (1 of 4 stars). 4 submissions from 4 submitters: Uncertain significance (3); Likely benign (1). Last evaluated 2026-08-03.

Conditions:
Inborn genetic diseases. Identifiers: MedGen C0950123, MeSH D030342.
Usher syndrome type 2C. Also called: Usher syndrome, type 2B; USHER SYNDROME, TYPE IIC. Identifiers: Orphanet 231178, Orphanet 886, MedGen C2931213, MONDO:0011558, OMIM 605472.

Allele frequency attached by ClinVar (database versions not stated): gnomAD 0.00003; TOPMed 0.00004; ExAC 0.00001; gnomAD exomes 0.00004.
gnomAD v4.1: 58 of 1,613,088 alleles (0.0036%); highest among the groups gnomAD compares: Non-Finnish European, 0.0048%; no homozygotes.

Submissions (4):

Ambry Genetics
Classification: Uncertain significance for Inborn genetic diseases. Last evaluated: 2026-08-03. Review status: criteria provided, single submitter. Criteria: Ambry Variant Classification Scheme 2023. Collection method: clinical testing. Allele origin: germline.
Comment: The c.9763G>A (p.V3255M) alteration is located in exon 46 (coding exon 46) of the ADGRV1 gene. This alteration results from a G to A substitution at nucleotide position 9763, causing the valine (V) at amino acid position 3255 to be replaced by a methionine (M). Based on data from gnomAD, the A allele has an overall frequency of 0.002% (6/249056) total alleles studied. The highest observed frequency was 0.005% (6/112914) of European (non-Finnish) alleles. Based on insufficient or conflicting evidence, the clinical significance of this alteration remains unclear.

Labcorp Genetics (formerly Invitae), Labcorp
Classification: Likely benign. Last evaluated: 2023-12-14. Review status: criteria provided, single submitter. Criteria: Invitae Variant Classification Sherloc (09022015). Collection method: clinical testing. Allele origin: germline.

Blueprint Genetics
Classification: Uncertain significance. Last evaluated: 2022-08-22. Review status: criteria provided, single submitter. Criteria: ACMG Guidelines, 2015. Collection method: clinical testing. Allele origin: germline.

Illumina Laboratory Services, Illumina
Classification: Uncertain significance for Usher syndrome type 2C. Last evaluated: 2018-01-13. Review status: criteria provided, single submitter. Criteria: ICSL Variant Classification Criteria 13 December 2019. Collection method: clinical testing. Allele origin: germline.